The following is an entry in ClinVar:

ClinVar aggregate classification (germline): Likely pathogenic. Review status: criteria provided, multiple submitters, no conflicts (2 of 4 stars). 2 submissions from 2 submitters: Likely pathogenic (2). Last evaluated 2025-02-13.

Conditions:
NPHP4-related disorder. Also called: NPHP4-related condition; NPHP4-related disorders. Identifiers: MedGen CN239384.
Retinitis pigmentosa (RP). Identifiers: Orphanet 791, MedGen C0035334, MeSH D012174, MONDO:0019200, OMIM 268000. Inheritance: Autosomal dominant, autosomal recessive and X linked inheritance.

Allele frequency attached by ClinVar (database versions not stated): ExAC 0.00001; gnomAD 0.00001; gnomAD exomes 0.00001 and 0.00003.

Submissions (2):

PreventionGenetics, part of Exact Sciences
Classification: Likely pathogenic for NPHP4-related condition. Last evaluated: 2025-02-13. Review status: criteria provided, single submitter. Criteria: ACMG Guidelines, 2015. Collection method: clinical testing. Allele origin: germline.
Comment: The NPHP4 c.2598_2607dup10 variant is predicted to result in a frameshift and premature protein termination (p.Arg870Trpfs*20). This variant has been reported in the homozygous state in an individual with nephronophthisis (Hoefele et al. 2005. PubMed ID: 15776426) and in the heterozygous state with another NPHP4 frameshift variant in an individual in a large retinal degeneration cohort (Table S6, Zampaglione et al. 2021. PubMed ID: 34906470). This variant is reported in 0.00089% of alleles in individuals of European (non-Finnish) descent in gnomAD. Frameshift variants in NPHP4 are expected to be pathogenic. This variant is interpreted as likely pathogenic.

Broad Center for Mendelian Genomics, Broad Institute of MIT and Harvard
Classification: Likely pathogenic for Retinitis pigmentosa. Last evaluated: 2021-04-01. Review status: criteria provided, single submitter. Criteria: ACMG Guidelines, 2015. Collection method: curation. Allele origin: germline. Inheritance: Autosomal recessive inheritance. Affected: yes.
Comment: Through a review of available evidence we were able to apply the following criteria: PVS1, PM2. Based on this evidence we have classified this variant as Likely Pathogenic. If you have any questions about the classification please reach out to the Pierce Lab.

Literature cited by the submitters: PubMed 34906470 (cited by Broad Center for Mendelian Genomics, Broad Institute of MIT and Harvard).

NM_015102.5(NPHP4):c.2598_2607dup (p.Arg870fs)

Gene: NPHP4 (nephrocystin 4; minus strand). Cytogenetic location: 1p36.31.
Variant type: Duplication.
Coding change: c.2598_2607dup on transcript NM_015102.5 (MANE Select); coding-DNA positions 2598 to 2607, 10 bases duplicated (TGGAAGCTCA; older notation c.2598_2607dupTGGAAGCTCA).
Protein change: p.Arg870fs; shifts the reading frame from arginine 870.
Molecular consequence: frameshift variant. On other transcripts: non-coding transcript variant (1).
Genome position (GRCh38, 1-based): chr1:5,880,118-5,880,127, TGAGCTTCCA duplicated on the plus strand (TGGAAGCTCA on the coding strand, the reverse complement: NPHP4 is on the minus strand). VCF-style (leftmost placement, unchanged base first): chr1-5880117-T-TTGAGCTTCCA. GRCh37 (hg19) VCF-style: chr1-5940177-T-TTGAGCTTCCA.
Other names: c.1059_1068dup, p.Arg357fs (NM_001291593.2); c.1062_1071dup, p.Arg358fs (NM_001291594.2); c.2598_2607dup10 (NM_015102.4); short protein forms R357fs, R358fs, R870fs.
Identifiers: ClinVar variation 1297092 (VCV001297092.3), dbSNP rs752910449, ClinGen allele CA554054.